The following is an entry in ClinVar:

ClinVar aggregate classification (germline): Pathogenic (1 of 4 stars; one submission).

Conditions:
Short-rib thoracic dysplasia 11 with or without polydactyly (SRTD11). Also called: SHORT-RIB THORACIC DYSPLASIA 11 WITHOUT POLYDACTYLY. Identifiers: Orphanet 474, Orphanet 93271, MedGen C3810200, MONDO:0014287, OMIM 615633.

Submission:

Labcorp Genetics (formerly Invitae), Labcorp
Classification: Pathogenic for Short-rib thoracic dysplasia 11 with or without polydactyly. Last evaluated: 2025-10-12. Review status: criteria provided, single submitter. Criteria: Invitae Variant Classification Sherloc (09022015). Collection method: clinical testing. Allele origin: germline.
Comment: This sequence change creates a premature translational stop signal (p.Gly505*) in the WDR34 gene. While this is not anticipated to result in nonsense mediated decay, it is expected to disrupt the last 32 amino acid(s) of the WDR34 protein. This variant is not present in population databases (gnomAD no frequency). This variant has not been reported in the literature in individuals affected with WDR34-related conditions. ClinVar contains an entry for this variant (Variation ID: 2872998). This variant disrupts a region of the WDR34 protein in which other variant(s) (p.Thr514Argfs*11) have been determined to be pathogenic (PMID: 24183451). This suggests that this is a clinically significant region of the protein, and that variants that disrupt it are likely to be disease-causing. For these reasons, this variant has been classified as Pathogenic.

Literature cited by the submitters: PubMed 24183451.

NM_052844.4(DYNC2I2):c.1509_1515del (p.Gln504_Gly505insTer)

Gene: DYNC2I2 (dynein 2 intermediate chain 2; minus strand). Cytogenetic location: 9q34.11.
Variant type: Deletion.
Coding change: c.1509_1515del on transcript NM_052844.4 (MANE Select); coding-DNA positions 1509 to 1515, 7 bases deleted (CCAGGGC; older notation c.1509_1515delCCAGGGC).
Protein change: p.Gln504_Gly505insTer.
Molecular consequence: frameshift variant.
Genome position (GRCh38, 1-based): chr9:128,633,840-128,633,846, GCCCTGG deleted on the plus strand (CCAGGGC on the coding strand, the reverse complement: DYNC2I2 is on the minus strand); deleting any 7 consecutive bases within chr9:128,633,840-128,633,848 gives the same sequence; the c. name uses the placement nearest the transcript's 3' end. VCF-style (leftmost placement, unchanged base first): chr9-128633839-TGCCCTGG-T. GRCh37 (hg19) VCF-style: chr9-131396118-TGCCCTGG-T.
Identifiers: ClinVar variation 2872998 (VCV002872998.3), dbSNP rs2542422187, ClinGen allele CA467485494.
Genomic context (GRCh38, chr9:128,633,839, plus strand): 5'-CCTCAGCTTCCCGGGGCCCTTGTTCCGTGAACTCTGTGCTCAGCTGCCACACCTTCACTG[TGCCCTGG>T]GCATCGCCCGCAGCCAAGAGCTGAGTCTGCTGGCTGTTGAACTCCAGACAGTAGACAGGG-3'